The following is an entry in ClinVar:

ClinVar aggregate classification (germline): Uncertain significance (1 of 4 stars; one submission).

Allele frequency attached by ClinVar (database versions not stated): gnomAD 0.00001; TOPMed 0.00003; ESP Exome Variant Server 0.00008.

Submission:

Labcorp Genetics (formerly Invitae), Labcorp
Classification: Uncertain significance. Last evaluated: 2025-10-20. Review status: criteria provided, single submitter. Criteria: Invitae Variant Classification Sherloc (09022015). Collection method: clinical testing. Allele origin: germline.
Comment: This sequence change replaces glutamic acid, which is acidic and polar, with glycine, which is neutral and non-polar, at codon 163 of the RAB11B protein (p.Glu163Gly). This variant is present in population databases (rs372364290, gnomAD 0.01%). This variant has not been reported in the literature in individuals affected with RAB11B-related conditions. ClinVar contains an entry for this variant (Variation ID: 1416648). An algorithm developed to predict the effect of missense changes on protein structure and function (PolyPhen-2) suggests that this variant is likely to be tolerated. In summary, the available evidence is currently insufficient to determine the role of this variant in disease. Therefore, it has been classified as a Variant of Uncertain Significance.

NM_004218.4(RAB11B):c.488A>G (p.Glu163Gly)

Gene: RAB11B (RAB11B, member RAS oncogene family; plus strand). Cytogenetic location: 19p13.2.
Variant type: single nucleotide variant.
Coding change: c.488A>G on transcript NM_004218.4 (MANE Select); coding-DNA position 488, A replaced by G.
Protein change: p.Glu163Gly; replaces glutamic acid 163 with glycine.
Molecular consequence: missense variant.
Genome position (GRCh38, 1-based): chr19:8,402,542, A>G. VCF-style: chr19-8402542-A-G. GRCh37 (hg19) VCF-style: chr19-8467426-A-G.
Other names: short protein forms E163G.
Identifiers: ClinVar variation 1416648 (VCV001416648.8), dbSNP rs372364290, ClinGen allele CA304977217.